The following is an entry in ClinVar:

ClinVar aggregate classification (germline): Uncertain significance (1 of 4 stars; one submission).

Conditions:
Kabuki syndrome. Also called: NIIKAWA-KUROKI SYNDROME; Kabuki make-up syndrome. Identifiers: Orphanet 2322, MedGen C0796004, MONDO:0016512.

gnomAD v4.1: 3 of 1,557,184 alleles (0.00019%); highest among the groups gnomAD compares: Non-Finnish European, 0.00026%; no homozygotes.

Submission:

Labcorp Genetics (formerly Invitae), Labcorp
Classification: Uncertain significance for Kabuki syndrome. Last evaluated: 2022-02-20. Review status: criteria provided, single submitter. Criteria: Invitae Variant Classification Sherloc (09022015). Collection method: clinical testing. Allele origin: germline.
Comment: This sequence change replaces proline, which is neutral and non-polar, with serine, which is neutral and polar, at codon 886 of the KMT2D protein (p.Pro886Ser). This variant is not present in population databases (gnomAD no frequency). This variant has not been reported in the literature in individuals affected with KMT2D-related conditions. Advanced modeling of protein sequence and biophysical properties (such as structural, functional, and spatial information, amino acid conservation, physicochemical variation, residue mobility, and thermodynamic stability) performed at Invitae indicates that this missense variant is not expected to disrupt KMT2D protein function. In summary, the available evidence is currently insufficient to determine the role of this variant in disease. Therefore, it has been classified as a Variant of Uncertain Significance.

NM_003482.4(KMT2D):c.2656C>T (p.Pro886Ser)

Gene: KMT2D (lysine methyltransferase 2D; minus strand). Cytogenetic location: 12q13.12.
Variant type: single nucleotide variant.
Coding change: c.2656C>T on transcript NM_003482.4 (MANE Select); coding-DNA position 2656, C replaced by T.
Protein change: p.Pro886Ser; replaces proline 886 with serine.
Molecular consequence: missense variant.
Genome position (GRCh38, 1-based): chr12:49,051,027, G>A on the plus strand (C>T on the coding strand, the complement: KMT2D is on the minus strand). VCF-style: chr12-49051027-G-A. GRCh37 (hg19) VCF-style: chr12-49444810-G-A.
Other names: short protein forms P886S.
Identifiers: ClinVar variation 1940165 (VCV001940165.2), dbSNP rs199946966, ClinGen allele CA384665077.